The following is an entry in ClinVar:

ClinVar aggregate classification (germline): Benign (1 of 4 stars; one submission).

Allele frequency attached by ClinVar (database versions not stated): gnomAD 0.02559 and 0.02741; TOPMed 0.02821; 1000 Genomes Project 0.03095; 1000 Genomes Project 30x 0.03232.
gnomAD v4.1: 3,834 of 151,646 alleles (2.5%); highest among the groups gnomAD compares: African/African-American, 8.9%; 150 homozygotes.

Submission:

GeneDx
Classification: Benign. Last evaluated: 2018-06-18. Review status: criteria provided, single submitter. Criteria: GeneDx Variant Classification (06012015). Collection method: clinical testing. Allele origin: germline. Affected: yes.
Comment: This variant is considered likely benign or benign based on one or more of the following criteria: it is a conservative change, it occurs at a poorly conserved position in the protein, it is predicted to be benign by multiple in silico algorithms, and/or has population frequency not consistent with disease.

NM_133642.5(LARGE1):c.1452-209T>C

Gene: LARGE1 (LARGE xylosyl- and glucuronyltransferase 1; minus strand). Cytogenetic location: 22q12.3.
Variant type: single nucleotide variant.
Coding change: c.1452-209T>C on transcript NM_133642.5 (MANE Select); 209 bases into the intron before coding-DNA position 1452, T replaced by C.
Molecular consequence: intron variant.
Genome position (GRCh38, 1-based): chr22:33,304,716, A>G on the plus strand (T>C on the coding strand, the complement: LARGE1 is on the minus strand). VCF-style: chr22-33304716-A-G. GRCh37 (hg19) VCF-style: chr22-33700702-A-G.
Other names: c.1452-209T>C (NM_001362953.2, NM_001362949.2, NM_001378627.1 and 6 more transcripts); c.1296-209T>C (NM_001378629.1); c.693-209T>C (NM_001378631.1); c.849-209T>C (NM_001378630.1).
Identifiers: ClinVar variation 678423 (VCV000678423.1), dbSNP rs79121173, ClinGen allele CA323711587.